The following is an entry in ClinVar:

ClinVar aggregate classification (germline): Uncertain significance (1 of 4 stars; one submission).

Conditions:
Hereditary cancer-predisposing syndrome. Also called: Neoplastic Syndromes, Hereditary; Tumor predisposition; Hereditary Cancer Syndrome; Hereditary neoplastic syndrome. Identifiers: Orphanet 140162, MedGen C0027672, MeSH D009386, MONDO:0015356.

Submission:

Ambry Genetics
Classification: Uncertain significance for Hereditary cancer-predisposing syndrome. Last evaluated: 2021-07-07. Review status: criteria provided, single submitter. Criteria: Ambry Variant Classification Scheme 2023. Collection method: clinical testing. Allele origin: germline.
Comment: The p.S122R variant (also known as c.366T>G), located in coding exon 3 of the XRCC2 gene, results from a T to G substitution at nucleotide position 366. The serine at codon 122 is replaced by arginine, an amino acid with dissimilar properties. This amino acid position is highly conserved in available vertebrate species. In addition, the in silico prediction for this alteration is inconclusive. Since supporting evidence is limited at this time, the clinical significance of this alteration remains unclear.

NM_005431.2(XRCC2):c.366T>G (p.Ser122Arg)

Gene: XRCC2 (X-ray repair cross complementing 2; minus strand). Cytogenetic location: 7q36.1.
Variant type: single nucleotide variant.
Coding change: c.366T>G on transcript NM_005431.2 (MANE Select); coding-DNA position 366, T replaced by G.
Protein change: p.Ser122Arg; replaces serine 122 with arginine.
Molecular consequence: missense variant.
Genome position (GRCh38, 1-based): chr7:152,649,119, A>C on the plus strand (T>G on the coding strand, the complement: XRCC2 is on the minus strand). VCF-style: chr7-152649119-A-C. GRCh37 (hg19) VCF-style: chr7-152346204-A-C.
Other names: short protein forms S122R.
Identifiers: ClinVar variation 1733786 (VCV001733786.2), dbSNP rs2116987999, ClinGen allele CA370198853.
Genomic context (GRCh38, chr7:152,649,119, plus strand): 5'-AGATGGGTGACTACAAAACATACTTTCTAGTGAGTAAAGTGTAAGAAGTAAGTGGGTGCT[A>C]CTACTGCAGTACACCAAAAAAAATCTTCCCAGGCAGTATTTGATTATTTCTTCAGAGCTT-3'
Protein context (NP_005422.1, residues 112-132): LGRFFLVYCS[Ser122Arg]STHLLLTLYS